The following is an entry in ClinVar:

ClinVar aggregate classification (germline): Uncertain significance. Review status: criteria provided, multiple submitters, no conflicts (2 of 4 stars). 4 submissions from 4 submitters: Uncertain significance (4). Last evaluated 2025-12-17.

Conditions:
Spondyloepiphyseal dysplasia with metatarsal shortening. Also called: CZECH DYSPLASIA, METATARSAL TYPE; SPONDYLOEPIPHYSEAL DYSPLASIA WITH PRECOCIOUS OSTEOARTHRITIS; Pseudorheumatoid dysplasia progressive, with hypoplastic toes. Identifiers: Orphanet 137678, MedGen C1836683, MONDO:0012206, OMIM 609162.
Legg-Calve-Perthes disease. Also called: Avascular necrosis of the capital femoral epiphysis; PERTHES DISEASE; Osteochondritis deformans; Coxa plana. Identifiers: Orphanet 2380, MedGen C1442965, MONDO:0007885, OMIM 150600, HP:0005743.
Kniest dysplasia. Identifiers: Orphanet 485, MedGen C0265279, MONDO:0007987, OMIM 156550.
Platyspondylic dysplasia, Torrance type (PLSDT). Identifiers: Orphanet 85166, MedGen C1835437, MONDO:0007895, OMIM 151210.
Spondyloepiphyseal dysplasia congenita (SEDC). Also called: SED CONGENITA; SPONDYLOEPIPHYSEAL DYSPLASIA, CONGENITAL TYPE. Identifiers: Orphanet 94068, MedGen C2745959, MONDO:0008471, OMIM 183900.
Spondyloepiphyseal dysplasia, Stanescu type. Also called: SED, STANESCU TYPE; SPONDYLOEPIMETAPHYSEAL DYSPLASIA, STANESCU TYPE. Identifiers: Orphanet 459051, MedGen C4225273, MONDO:0014701, OMIM 616583.
Spondylometaphyseal dysplasia - Sutcliffe type. Also called: Spondylometaphyseal Dysplasia, Corner Fracture Type; Sutcliffe type of spondylometaphyseal dysplasia; Sutcliffe SMD; Spondylometaphyseal dysplasia, 'corner fracture' type. Identifiers: Orphanet 93315, MedGen C0432221, MONDO:0008479, OMIM 184255.
Vitreoretinopathy with phalangeal epiphyseal dysplasia (VPED). Identifiers: MedGen C1852989, MONDO:0031001, OMIM 619248.
Multiple epiphyseal dysplasia, Beighton type. Identifiers: Orphanet 166011, MedGen C1851536, MONDO:0007562, OMIM 132450.
Achondrogenesis type II (ACG2). Also called: ACHONDROGENESIS, LANGER-SALDINO TYPE; CHONDROGENESIS IMPERFECTA. Identifiers: Orphanet 932, Orphanet 93296, MedGen C0220685, MONDO:0008702, OMIM 200610.
Spondyloepimetaphyseal dysplasia, Strudwick type (SEMDSTWK). Also called: STRUDWICK SYNDROME; DAPPLED METAPHYSIS SYNDROME. Identifiers: Orphanet 93346, MedGen C0700635, MONDO:0008476, OMIM 184250.
Stickler syndrome, type I, nonsyndromic ocular. Also called: STICKLER SYNDROME, ATYPICAL; STICKLER SYNDROME, TYPE I, PREDOMINANTLY OCULAR. Identifiers: MedGen C1836080, MONDO:0012287, OMIM 609508.
Namaqualand hip dysplasia (OSCDP). Also called: Mild spondyloepiphyseal dysplasia due to COL2A1 mutation with early-onset osteoarthritis. Identifiers: Orphanet 93279, MedGen C0432214, MONDO:0011496, OMIM 604864.
Spondyloperipheral dysplasia. Also called: Spondyloperipheral dysplasia-short ulna syndrome; SPONDYLOPERIPHERAL DYSPLASIA WITH SHORT ULNA. Identifiers: Orphanet 1856, MedGen C0796173, MONDO:0010078, OMIM 271700.
Stickler syndrome type 1 (STL1). Also called: COL2A1-Related Stickler Syndrome; STICKLER SYNDROME, MEMBRANOUS VITREOUS TYPE; STICKLER SYNDROME, VITREOUS TYPE 1; ARTHROOPHTHALMOPATHY, HEREDITARY PROGRESSIVE. Identifiers: Orphanet 828, Orphanet 90653, MedGen C2020284, MONDO:0007160, OMIM 108300.
Avascular necrosis of femoral head, primary, 1 (ANFH1). Also called: Avascular necrosis of femoral head, primary. Identifiers: Orphanet 86820, MedGen C4551562, MONDO:0054550, OMIM 608805.

Allele frequency attached by ClinVar (database versions not stated): gnomAD 0.00001; gnomAD exomes 0.00001; TOPMed 0.00001.
gnomAD v4.1: 15 of 1,612,752 alleles (0.00093%); highest among the groups gnomAD compares: Non-Finnish European, 0.001%; 1 homozygote.

Submissions (4):

Labcorp Genetics (formerly Invitae), Labcorp
Classification: Uncertain significance. Last evaluated: 2025-12-17. Review status: criteria provided, single submitter. Criteria: Invitae Variant Classification Sherloc (09022015). Collection method: clinical testing. Allele origin: germline.
Comment: This sequence change falls in intron 44 of the COL2A1 gene. It does not directly change the encoded amino acid sequence of the COL2A1 protein. It affects a nucleotide within the consensus splice site. This variant is present in population databases (no rsID available, gnomAD 0.007%). This variant has not been reported in the literature in individuals affected with COL2A1-related conditions. ClinVar contains an entry for this variant (Variation ID: 1675238). Variants that disrupt the consensus splice site are a relatively common cause of aberrant splicing (PMID: 17576681, 9536098). Algorithms developed to predict the effect of sequence changes on RNA splicing suggest that this variant may disrupt the consensus splice site. In summary, the available evidence is currently insufficient to determine the role of this variant in disease. Therefore, it has been classified as a Variant of Uncertain Significance.

Blueprint Genetics
Classification: Uncertain significance. Last evaluated: 2024-03-01. Review status: criteria provided, single submitter. Criteria: ACMG Guidelines, 2015. Collection method: clinical testing. Allele origin: germline.

GeneDx
Classification: Uncertain significance. Last evaluated: 2022-03-16. Review status: criteria provided, single submitter. Criteria: GeneDx Variant Classification Process June 2021. Collection method: clinical testing. Allele origin: germline. Affected: yes.
Comment: Intronic +5 splice site variant in a gene for which loss-of-function is a known mechanism of disease, and both splice predictors and evolutionary conservation support a deleterious effect, although in the absence of functional evidence the actual effect of this sequence change is unknown.; Not observed at significant frequency in large population cohorts (gnomAD); Has not been previously published as pathogenic or benign to our knowledge

Fulgent Genetics
Classification: Uncertain significance for Stickler syndrome type 1; Multiple epiphyseal dysplasia, Beighton type; Legg-Calve-Perthes disease; Platyspondylic dysplasia, Torrance type; Kniest dysplasia; Spondyloepiphyseal dysplasia congenita; Spondyloepimetaphyseal dysplasia, Strudwick type; Spondylometaphyseal dysplasia - Sutcliffe type; Achondrogenesis type II; Spondyloperipheral dysplasia; Namaqualand hip dysplasia; Avascular necrosis of femoral head, primary, 1; Spondyloepiphyseal dysplasia with metatarsal shortening; Stickler syndrome, type I, nonsyndromic ocular; Spondyloepiphyseal dysplasia, Stanescu type; Vitreoretinopathy with phalangeal epiphyseal dysplasia. Last evaluated: 2022-03-07. Review status: criteria provided, single submitter. Criteria: ACMG Guidelines, 2015. Collection method: clinical testing. Allele origin: unknown.

Literature cited by the submitters: PubMed 17576681 (cited by Labcorp Genetics (formerly Invitae), Labcorp); PubMed 9536098 (cited by Labcorp Genetics (formerly Invitae), Labcorp).

NM_001844.5(COL2A1):c.3111+5G>A

Gene: COL2A1 (collagen type II alpha 1 chain; minus strand). Cytogenetic location: 12q13.11.
Variant type: single nucleotide variant.
Coding change: c.3111+5G>A on transcript NM_001844.5 (MANE Select); 5 bases into the intron after coding-DNA position 3111, G replaced by A.
Molecular consequence: intron variant.
Genome position (GRCh38, 1-based): chr12:47,978,005, C>T on the plus strand (G>A on the coding strand, the complement: COL2A1 is on the minus strand). VCF-style: chr12-47978005-C-T. GRCh37 (hg19) VCF-style: chr12-48371788-C-T.
Other names: c.2904+5G>A (NM_033150.3).
Identifiers: ClinVar variation 1675238 (VCV001675238.9), dbSNP rs1429492734, ClinGen allele CA604848823.
Genomic context (GRCh38, chr12:47,978,005, plus strand): 5'-CAGCACAGAGACTCACAGGGCCCCTCTCCCCAATCAGGGCCACCCCAGGGGGTCTCACTG[C>T]TCACCTCTCGTCCAGGTTCACCTGCAGGACCCGTCAGGCCAGGAGGACCCACGGGGCCAG-3'